The following is an entry in ClinVar:

NM_000322.5(PRPH2):c.557A>G (p.Asp186Gly)

Gene: PRPH2 (peripherin 2; minus strand). Cytogenetic location: 6p21.1.
Variant type: single nucleotide variant.
Coding change: c.557A>G on transcript NM_000322.5 (MANE Select); coding-DNA position 557, A replaced by G.
Protein change: p.Asp186Gly; replaces aspartic acid 186 with glycine.
Molecular consequence: missense variant.
Genome position (GRCh38, 1-based): chr6:42,721,778, T>C on the plus strand (A>G on the coding strand, the complement: PRPH2 is on the minus strand). VCF-style: chr6-42721778-T-C. GRCh37 (hg19) VCF-style: chr6-42689516-T-C.
Other names: short protein forms D186G.
Identifiers: ClinVar variation 1490757 (VCV001490757.7), dbSNP rs2152010856, ClinGen allele CA364137234.

ClinVar aggregate classification (germline): Conflicting classifications of pathogenicity. Review status: criteria provided, conflicting classifications (1 of 4 stars). 2 submissions from 2 submitters: Likely pathogenic (1); Uncertain significance (1). Last evaluated 2021-08-29.

Conditions:
PRPH2-related disorder. Also called: PRPH2-related condition; PRPH2-related disorders. Identifiers: MedGen CN239395.

gnomAD v4.1: 1 of 1,614,168 alleles (0.000062%); highest among the groups gnomAD compares: Non-Finnish European, 0.000085%; no homozygotes.

Submissions (2):

Labcorp Genetics (formerly Invitae), Labcorp
Classification: Likely pathogenic for PRPH2-related disorder. Last evaluated: 2021-08-29. Review status: criteria provided, single submitter. Criteria: Invitae Variant Classification Sherloc (09022015). Collection method: clinical testing. Allele origin: germline.
Comment: In summary, the currently available evidence indicates that the variant is pathogenic, but additional data are needed to prove that conclusively. Therefore, this variant has been classified as Likely Pathogenic. This variant disrupts the p.Asp186 amino acid residue in PRPH2. Other variant(s) that disrupt this residue have been determined to be pathogenic (PMID: 21405999, 26197217; Invitae). This suggests that this residue is clinically significant, and that variants that disrupt this residue are likely to be disease-causing. Advanced modeling of protein sequence and biophysical properties (such as structural, functional, and spatial information, amino acid conservation, physicochemical variation, residue mobility, and thermodynamic stability) performed at Invitae indicates that this missense variant is expected to disrupt PRPH2 protein function. This variant has not been reported in the literature in individuals affected with PRPH2-related conditions. This variant is not present in population databases (ExAC no frequency). This sequence change replaces aspartic acid with glycine at codon 186 of the PRPH2 protein (p.Asp186Gly). The aspartic acid residue is highly conserved and there is a moderate physicochemical difference between aspartic acid and glycine.

Blueprint Genetics
Classification: Uncertain significance. Last evaluated: 2021-05-31. Review status: criteria provided, single submitter. Criteria: ACMG Guidelines, 2015. Collection method: clinical testing. Allele origin: germline.

Literature cited by the submitters: PubMed 21405999 (cited by Labcorp Genetics (formerly Invitae), Labcorp); PubMed 26197217 (cited by Labcorp Genetics (formerly Invitae), Labcorp).